The following is an entry in ClinVar:

ClinVar aggregate classification (germline): Likely pathogenic (1 of 4 stars; one submission).

Conditions:
PBX1-related disorder. Also called: PBX1-related condition.

Submission:

PreventionGenetics, part of Exact Sciences
Classification: Likely pathogenic for PBX1-related condition. Last evaluated: 2022-12-19. Review status: criteria provided, single submitter. Criteria: ACMG Guidelines, 2015. Collection method: clinical testing. Allele origin: germline.
Comment: The PBX1 c.77T>A variant is predicted to result in premature protein termination (p.Leu26*). To our knowledge, this variant has not been reported in the literature or in a large population database, indicating this variant is rare. Nonsense variants in PBX1 are expected to be pathogenic. This variant is interpreted as likely pathogenic.

NM_002585.4(PBX1):c.77T>A (p.Leu26Ter)

Gene: PBX1 (PBX homeobox 1; plus strand). Cytogenetic location: 1q23.3.
Variant type: single nucleotide variant.
Coding change: c.77T>A on transcript NM_002585.4 (MANE Select); coding-DNA position 77, T replaced by A.
Protein change: p.Leu26Ter; replaces leucine 26 with a stop codon.
Molecular consequence: nonsense. On other transcripts: 5 prime UTR variant (1).
Genome position (GRCh38, 1-based): chr1:164,559,899, T>A. VCF-style: chr1-164559899-T-A. GRCh37 (hg19) VCF-style: chr1-164529136-T-A.
Other names: c.77T>A, p.Leu26Ter (NM_001204961.2, NM_001204963.2, NM_001353131.2); c.-99T>A (NM_001353130.1); short protein forms L26*.
Identifiers: ClinVar variation 2629883 (VCV002629883.1), dbSNP rs2525298952, ClinGen allele CA343470316.